The following is an entry in ClinVar:

NM_005012.4(ROR1):c.783_786del (p.Thr262fs)

Gene: ROR1 (receptor tyrosine kinase like orphan receptor 1; plus strand). Cytogenetic location: 1p31.3.
Variant type: Deletion.
Coding change: c.783_786del on transcript NM_005012.4 (MANE Select); coding-DNA positions 783 to 786, 4 bases deleted (AACA; older notation c.783_786delAACA).
Protein change: p.Thr262fs; shifts the reading frame from threonine 262.
Molecular consequence: frameshift variant.
Genome position (GRCh38, 1-based): chr1:64,140,281-64,140,284, AACA deleted; deleting any 4 consecutive bases within chr1:64,140,279-64,140,284 gives the same sequence; the c. name uses the placement nearest the transcript's 3' end. VCF-style (leftmost placement, unchanged base first): chr1-64140278-TCAAA-T. GRCh37 (hg19) VCF-style: chr1-64605961-TCAAA-T.
Other names: c.783_786del, p.Thr262fs (NM_001083592.2); short protein forms T262fs.
Identifiers: ClinVar variation 4721792 (VCV004721792.1).

ClinVar aggregate classification (germline): Uncertain significance (1 of 4 stars; one submission).

Submission:

Labcorp Genetics (formerly Invitae), Labcorp
Classification: Uncertain significance. Last evaluated: 2025-06-25. Review status: criteria provided, single submitter. Criteria: Invitae Variant Classification Sherloc (09022015). Collection method: clinical testing. Allele origin: germline.
Comment: This sequence change creates a premature translational stop signal (p.Thr262Serfs*10) in the ROR1 gene. It is expected to result in an absent or disrupted protein product. However, the current clinical and genetic evidence is not sufficient to establish whether loss-of-function variants in ROR1 cause disease. This variant is not present in population databases (gnomAD no frequency). This variant has not been reported in the literature in individuals affected with ROR1-related conditions. In summary, the available evidence is currently insufficient to determine the role of this variant in disease. Therefore, it has been classified as a Variant of Uncertain Significance.